The following is an entry in ClinVar:

ClinVar aggregate classification (germline): Uncertain significance (1 of 4 stars; one submission).

Conditions:
Fucosidosis. Also called: ALPHA-L-FUCOSIDASE DEFICIENCY. Identifiers: Orphanet 349, MedGen C0016788, MONDO:0009254, OMIM 230000.

Submission:

Labcorp Genetics (formerly Invitae), Labcorp
Classification: Uncertain significance for Fucosidosis. Last evaluated: 2022-07-22. Review status: criteria provided, single submitter. Criteria: Invitae Variant Classification Sherloc (09022015). Collection method: clinical testing. Allele origin: germline.
Comment: This variant, c.46_48dup, results in the insertion of 1 amino acid(s) of the FUCA1 protein (p.Leu20dup), but otherwise preserves the integrity of the reading frame. This variant is present in population databases (rs750020102, gnomAD 0.01%). This variant has not been reported in the literature in individuals affected with FUCA1-related conditions. In summary, the available evidence is currently insufficient to determine the role of this variant in disease. Therefore, it has been classified as a Variant of Uncertain Significance.

NM_000147.5(FUCA1):c.46_48dup (p.Leu20_Phe21insLeu)

Gene: FUCA1 (alpha-L-fucosidase 1; minus strand). Cytogenetic location: 1p36.11.
Variant type: Duplication.
Coding change: c.46_48dup on transcript NM_000147.5 (MANE Select); coding-DNA positions 46 to 48, 3 bases duplicated (TTG; older notation c.46_48dupTTG).
Protein change: p.Leu20_Phe21insLeu.
Molecular consequence: inframe insertion. On other transcripts: non-coding transcript variant (4).
Genome position (GRCh38, 1-based): chr1:23,868,239-23,868,241, CAA duplicated on the plus strand (TTG on the coding strand, the reverse complement: FUCA1 is on the minus strand); duplicating any 3 consecutive bases within chr1:23,868,239-23,868,243 gives the same sequence; the c. name uses the placement nearest the transcript's 3' end. VCF-style (leftmost placement, unchanged base first): chr1-23868238-G-GCAA. GRCh37 (hg19) VCF-style: chr1-24194728-G-GCAA.
Identifiers: ClinVar variation 2061354 (VCV002061354.1), dbSNP rs750020102, ClinGen allele CA686631.